The following is an entry in ClinVar:

ClinVar aggregate classification (germline): Uncertain significance (1 of 4 stars; one submission).

Allele frequency attached by ClinVar (database versions not stated): ExAC 0.00001; gnomAD 0.00001; gnomAD exomes 0.00001 and 0.00002; TOPMed 0.00002.
gnomAD v4.1: 10 of 1,542,926 alleles (0.00065%); highest among the groups gnomAD compares: Admixed American, 0.01%; no homozygotes.

Submission:

Labcorp Genetics (formerly Invitae), Labcorp
Classification: Uncertain significance. Last evaluated: 2021-06-15. Review status: criteria provided, single submitter. Criteria: Invitae Variant Classification Sherloc (09022015). Collection method: clinical testing. Allele origin: germline.
Comment: In summary, the available evidence is currently insufficient to determine the role of this variant in disease. Therefore, it has been classified as a Variant of Uncertain Significance. Nucleotide substitutions within the consensus splice site are a relatively common cause of aberrant splicing (PMID: 17576681, 9536098). Algorithms developed to predict the effect of sequence changes on RNA splicing suggest that this variant may create or strengthen a splice site, but this prediction has not been confirmed by published transcriptional studies. This variant has not been reported in the literature in individuals with IARS2-related conditions. This variant is present in population databases (rs763579713, ExAC 0.009%). This sequence change falls in intron 16 of the IARS2 gene. It does not directly change the encoded amino acid sequence of the IARS2 protein. It affects a nucleotide within the consensus splice site of the intron.

Literature cited by the submitters: PubMed 17576681; PubMed 9536098.

NM_018060.4(IARS2):c.2049+4G>A

Gene: IARS2 (isoleucyl-tRNA synthetase 2, mitochondrial; plus strand). Cytogenetic location: 1q41.
Variant type: single nucleotide variant.
Coding change: c.2049+4G>A on transcript NM_018060.4 (MANE Select); 4 bases into the intron after coding-DNA position 2049, G replaced by A.
Molecular consequence: intron variant.
Genome position (GRCh38, 1-based): chr1:220,136,915, G>A. VCF-style: chr1-220136915-G-A. GRCh37 (hg19) VCF-style: chr1-220310257-G-A.
Identifiers: ClinVar variation 1506267 (VCV001506267.6), dbSNP rs763579713, ClinGen allele CA1401660.
Genomic context (GRCh38, chr1:220,136,915, plus strand): 5'-ATGTCCAAGTCTCTTGGGAATGTCATTCATCCTGATGTTGTCGTTAATGGAGGACAAGTA[G>A]GTGATTCTCTAAAATGTATTTTATTTTCGTTTTAAGGATCTTAAATTGGCAGCCAAAGCC-3'